The following is an entry in ClinVar:

NM_001999.4(FBN2):c.6221A>G (p.Asn2074Ser)

Gene: FBN2 (fibrillin 2; minus strand). Cytogenetic location: 5q23.3.
Variant type: single nucleotide variant.
Coding change: c.6221A>G on transcript NM_001999.4 (MANE Select); coding-DNA position 6221, A replaced by G.
Protein change: p.Asn2074Ser; replaces asparagine 2074 with serine.
Molecular consequence: missense variant.
Genome position (GRCh38, 1-based): chr5:128,291,600, T>C on the plus strand (A>G on the coding strand, the complement: FBN2 is on the minus strand). VCF-style: chr5-128291600-T-C. GRCh37 (hg19) VCF-style: chr5-127627292-T-C.
Other names: short protein forms N2074S.
Identifiers: ClinVar variation 1313739 (VCV001313739.2), dbSNP rs2126822099, ClinGen allele CA360764477.

ClinVar aggregate classification (germline): Uncertain significance (1 of 4 stars; one submission).

Submission:

GeneDx
Classification: Uncertain significance. Last evaluated: 2021-07-15. Review status: criteria provided, single submitter. Criteria: GeneDx Variant Classification Process June 2021. Collection method: clinical testing. Allele origin: germline. Affected: yes.
Comment: Not observed in large population cohorts (Lek et al., 2016); In silico analysis supports that this missense variant has a deleterious effect on protein structure/function; Has not been previously published as pathogenic or benign to our knowledge